The following is an entry in ClinVar:

NM_001099403.2(PRDM8):c.1779_1784dup (p.Ala597_Ala598dup)

Gene: PRDM8 (PR/SET domain 8; plus strand). Cytogenetic location: 4q21.21.
Variant type: Duplication.
Coding change: c.1779_1784dup on transcript NM_001099403.2 (MANE Select); coding-DNA positions 1779 to 1784, 6 bases duplicated (TGCGGC; older notation c.1779_1784dupTGCGGC).
Protein change: p.Ala597_Ala598dup.
Molecular consequence: inframe insertion.
Genome position (GRCh38, 1-based): chr4:80,203,241-80,203,246, TGCGGC duplicated; duplicating any 6 consecutive bases within chr4:80,203,236-80,203,246 gives the same sequence; the c. name uses the placement nearest the transcript's 3' end. VCF-style (leftmost placement, unchanged base first): chr4-80203235-C-CGCGGCT. GRCh37 (hg19) VCF-style: chr4-81124389-C-CGCGGCT.
Other names: c.1779_1784dup, p.Ala597_Ala598dup (NM_020226.4).
Identifiers: ClinVar variation 934075 (VCV000934075.9), dbSNP rs1395259146, ClinGen allele CA553082797.

ClinVar aggregate classification (germline): Uncertain significance (1 of 4 stars; one submission).

Conditions:
Early-onset Lafora body disease. Also called: Epilepsy, progressive myoclonic, 10. Identifiers: Orphanet 324290, MedGen C4225258, MONDO:0014717, OMIM 616640.

Submission:

Labcorp Genetics (formerly Invitae), Labcorp
Classification: Uncertain significance for Early-onset Lafora body disease. Last evaluated: 2020-02-22. Review status: criteria provided, single submitter. Criteria: Invitae Variant Classification Sherloc (09022015). Collection method: clinical testing. Allele origin: germline.
Comment: In summary, the available evidence is currently insufficient to determine the role of this variant in disease. Therefore, it has been classified as a Variant of Uncertain Significance. Experimental studies and prediction algorithms are not available or were not evaluated for this variant, and the functional significance of this variant is currently unknown. This variant has not been reported in the literature in individuals with PRDM8-related conditions. The frequency data for this variant in the population databases is considered unreliable, as metrics indicate insufficient coverage at this position in the ExAC database. This variant, c.1779_1784dup, results in the insertion of 2 amino acid(s) to the PRDM8 protein (p.Ala597_Ala598dup), but otherwise preserves the integrity of the reading frame.